The following is an entry in ClinVar:

ClinVar aggregate classification (germline): Uncertain significance (1 of 4 stars; one submission).

gnomAD v4.1: 6 of 1,535,644 alleles (0.00039%); highest among the groups gnomAD compares: African/African-American, 0.0014%; no homozygotes.

Submission:

Labcorp Genetics (formerly Invitae), Labcorp
Classification: Uncertain significance. Last evaluated: 2025-03-27. Review status: criteria provided, single submitter. Criteria: Invitae Variant Classification Sherloc (09022015). Collection method: clinical testing. Allele origin: germline.
Comment: This sequence change affects codon 103 of the MAGEL2 mRNA. It is a 'silent' change, meaning that it does not change the encoded amino acid sequence of the MAGEL2 protein. This variant is present in population databases (no rsID available, gnomAD 0.02%). This variant has not been reported in the literature in individuals affected with MAGEL2-related conditions. In summary, the available evidence is currently insufficient to determine the role of this variant in disease. Therefore, it has been classified as a Variant of Uncertain Significance.

NM_019066.5(MAGEL2):c.309G>A (p.Pro103=)

Gene: MAGEL2 (MAGE family member L2; minus strand). Cytogenetic location: 15q11.2.
Variant type: single nucleotide variant.
Coding change: c.309G>A on transcript NM_019066.5 (MANE Select); coding-DNA position 309, G replaced by A.
Protein change: p.Pro103=; no amino-acid change (proline 103 retained).
Molecular consequence: synonymous variant.
Genome position (GRCh38, 1-based): chr15:23,647,434, C>T on the plus strand (G>A on the coding strand, the complement: MAGEL2 is on the minus strand). VCF-style: chr15-23647434-C-T. GRCh37 (hg19) VCF-style: chr15-23892581-C-T.
Identifiers: ClinVar variation 4706977 (VCV004706977.1).